The following is an entry in ClinVar:

ClinVar aggregate classification (germline): Pathogenic. Review status: criteria provided, multiple submitters, no conflicts (2 of 4 stars). 2 submissions from 2 submitters: Pathogenic (2). Last evaluated 2021-07-10.

Conditions:
Duchenne muscular dystrophy (DMD). Also called: MUSCULAR DYSTROPHY, PSEUDOHYPERTROPHIC PROGRESSIVE, DUCHENNE TYPE; Duchenne Muscular Dystrophy (DMD). Identifiers: Orphanet 98896, MedGen C0013264, MONDO:0010679, OMIM 310200.
Dilated cardiomyopathy 3B (CMD3B). Also called: CMD3B: DMD-Related Dilated Cardiomyopathy; CARDIOMYOPATHY, DILATED, X-LINKED; DMD-Associated Dilated Cardiomyopathy. Identifiers: Orphanet 154, MedGen C3668940, MONDO:0010542, OMIM 302045.
Becker muscular dystrophy (BMD). Also called: Becker Muscular Dystrophy (BMD); MUSCULAR DYSTROPHY, PSEUDOHYPERTROPHIC PROGRESSIVE, BECKER TYPE. Identifiers: Orphanet 98895, MedGen C0917713, MONDO:0010311, OMIM 300376.
Abnormality of the musculature. Identifiers: MedGen C4021745, HP:0003011.

Submissions (3):

Kariminejad - Najmabadi Pathology & Genetics Center
Classification: Pathogenic for Abnormality of the musculature. Last evaluated: 2021-07-10. Review status: criteria provided, single submitter. Criteria: ACMG Guidelines, 2015. Collection method: clinical testing. Allele origin: germline. Affected: yes.

Juno Genomics, Hangzhou Juno Genomics, Inc
Classification: Pathogenic for Becker muscular dystrophy; Dilated cardiomyopathy 3B; Duchenne muscular dystrophy. Review status: criteria provided, single submitter. Criteria: ACMG Guidelines, 2015. Collection method: clinical testing. Allele origin: germline. Affected: yes.
Comment: Absent from controls (or at extremely low frequency if recessive) in Genome Aggregation Database, Exome Sequencing Project, 1000 Genomes Project, or Exome Aggregation Consortium.;Null variant in a gene where loss of function (LOF) is a known mechanism of disease.;Patient's phenotype or family history is highly specific for a disease with a single genetic etiology.

Dr. Peter K. Rogan Lab, Western University
No classification provided (evidence only). Condition: Nonpapillary renal cell carcinoma. Review status: no classification provided. Collection method: in vitro. Allele origin: not applicable. Functional consequence: retained intron. Not counted in ClinVar's aggregate classification.

NM_004006.3(DMD):c.6576G>A (p.Trp2192Ter)

Gene: DMD (dystrophin; minus strand). Cytogenetic location: Xp21.1.
Variant type: single nucleotide variant.
Coding change: c.6576G>A on transcript NM_004006.3 (MANE Select); coding-DNA position 6576, G replaced by A.
Protein change: p.Trp2192Ter; replaces tryptophan 2192 with a stop codon.
Molecular consequence: nonsense. On other transcripts: 5 prime UTR variant (5).
Genome position (GRCh38, 1-based): chrX:31,968,377, C>T on the plus strand (G>A on the coding strand, the complement: DMD is on the minus strand). VCF-style: chrX-31968377-C-T. GRCh37 (hg19) VCF-style: chrX-31986494-C-T.
Other names: NC_000023.10:g.31986494C>T; c.6552G>A, p.Trp2184Ter (NM_000109.4); c.6564G>A, p.Trp2188Ter (NM_004009.3); c.6207G>A, p.Trp2069Ter (NM_004010.3); c.2553G>A, p.Trp851Ter (NM_004011.4); c.2544G>A, p.Trp848Ter (NM_004012.4); c.-805G>A (NM_004013.3, NM_004020.4, NM_004021.3 and 2 more transcripts); short protein forms W2069*, W2184*, W2188*, W2192*, W848*, W851*.
Identifiers: ClinVar variation 1180800 (VCV001180800.11), dbSNP rs764789298, ClinGen allele CA412659545.